The following is an entry in ClinVar:

NM_016492.5(RANGRF):c.437+20C>T

Genes: RANGRF (RAN guanine nucleotide release factor; plus strand), SLC25A35 (solute carrier family 25 member 35; minus strand). Cytogenetic location: 17p13.1.
Variant type: single nucleotide variant.
Coding change: c.437+20C>T on transcript NM_016492.5 (MANE Select); 20 bases into the intron after coding-DNA position 437, C replaced by T.
Molecular consequence: intron variant. On other transcripts: 3 prime UTR variant (5), non-coding transcript variant (2).
Genome position (GRCh38, 1-based): chr17:8,289,608, C>T. VCF-style: chr17-8289608-C-T. GRCh37 (hg19) VCF-style: chr17-8192926-C-T.
Other names: c.*16C>T (NM_001177801.2); c.*47C>T (NM_001177802.2); c.*8G>A (NM_001320871.2, NM_001320872.2, NM_201520.3); c.351+194C>T (NM_001330127.2).
Identifiers: ClinVar variation 382015 (VCV000382015.10), dbSNP rs200354447, ClinGen allele CA8374419.
Genomic context (GRCh38, chr17:8,289,608, plus strand): 5'-CAGTACCAGACTGATCTCTTGCTTACCTTCAATCAGCCCCCGTAAGGAGGAAGGAACGGG[C>T]GGGTATCTCATGACTGGGTTCCCAGGAGAATCGGGCTGGGAGGGACAGAACAGGGAGACT-3'

ClinVar aggregate classification (germline): Likely benign. Review status: criteria provided, multiple submitters, no conflicts (2 of 4 stars). 2 submissions from 2 submitters: Likely benign (2). Last evaluated 2025-10-28.

Conditions:
Cardiac arrhythmia. Also called: Cardiac rhythm disease; Arrhythmia. Identifiers: MedGen C0003811, MONDO:0007263, HP:0011675.

Allele frequency attached by ClinVar (database versions not stated): 1000 Genomes Project 0.00040; ESP Exome Variant Server 0.00008; 1000 Genomes Project 30x 0.00047; gnomAD exomes 0.00003 and 0.00007; ExAC 0.00010; TOPMed 0.00014; gnomAD 0.00016.
gnomAD v4.1: 77 of 1,609,496 alleles (0.0048%); highest among the groups gnomAD compares: African/African-American, 0.039%; 1 homozygote.

Submissions (4):

Labcorp Genetics (formerly Invitae), Labcorp
Classification: Likely benign for Cardiac arrhythmia. Last evaluated: 2025-10-28. Review status: criteria provided, single submitter. Criteria: Invitae Variant Classification Sherloc (09022015). Collection method: clinical testing. Allele origin: germline.

GeneDx
Classification: Likely benign. Last evaluated: 2015-12-03. Review status: criteria provided, single submitter. Criteria: GeneDx Variant Classification (06012015). Collection method: clinical testing. Allele origin: germline. Affected: yes.
Comment: This variant is considered likely benign or benign based on one or more of the following criteria: it is a conservative change, it occurs at a poorly conserved position in the protein, it is predicted to be benign by multiple in silico algorithms, and/or has population frequency not consistent with disease.

Dr. Peter K. Rogan Lab, Western University
No classification provided (evidence only). Condition: Thyroid cancer, nonmedullary, 1. Review status: no classification provided. Collection method: in vitro. Allele origin: not applicable. Functional consequence: cryptic splice site, retained intron. Not counted in ClinVar's aggregate classification.

Dr. Peter K. Rogan Lab, Western University
No classification provided (evidence only). Condition: Uterine corpus endometrial carcinoma. Review status: no classification provided. Collection method: in vitro. Allele origin: not applicable. Functional consequence: cryptic splice site, retained intron. Not counted in ClinVar's aggregate classification.